The following is an entry in ClinVar:

ClinVar aggregate classification (germline): Pathogenic. Review status: criteria provided, multiple submitters, no conflicts (2 of 4 stars). 4 submissions from 4 submitters: Pathogenic (4). Last evaluated 2025-11-11.

Conditions:
Hereditary insensitivity to pain with anhidrosis (CIPA). Also called: INSENSITIVITY TO PAIN, CONGENITAL, WITH ANHIDROSIS; hereditary sensory and autonomic neuropathy type 4; HSAN Type IV; NEUROPATHY, CONGENITAL SENSORY, WITH ANHIDROSIS; NTRK1 Congenital Insensitivity to Pain with Anhidrosis; FAMILIAL DYSAUTONOMIA, TYPE II. Identifiers: Orphanet 642, MedGen C0020074, MONDO:0009746, OMIM 256800.

gnomAD v4.1: 11 of 1,605,204 alleles (0.00069%); highest among the groups gnomAD compares: Non-Finnish European, 0.00085%; no homozygotes.

Submissions (4):

Natera, Inc.
Classification: Pathogenic for Hereditary insensitivity to pain with anhidrosis. Last evaluated: 2025-11-11. Review status: criteria provided, single submitter. Criteria: Natera Variant Classification Schema (03/2026). Collection method: clinical testing. Allele origin: germline.
Comment: The c.1336+1G>A variant in NTRK1 is a canonical splice donor site variant predicted to affect pre-mRNA splicing, which may result in an abnormal transcript and altered protein product. This variant is expected to result in nonsense mediated decay, truncation, or a dysfunctional protein product. This variant is rare in the general population with a frequency below the threshold expected for the associated phenotype(s). Another variant at this same site results in an alteration predicted to cause a similar molecular effect has been observed in individual(s) with the associated phenotype. Given the available evidence, this variant is classified as Pathogenic.

Labcorp Genetics (formerly Invitae), Labcorp
Classification: Pathogenic for Hereditary insensitivity to pain with anhidrosis. Last evaluated: 2023-11-20. Review status: criteria provided, single submitter. Criteria: Invitae Variant Classification Sherloc (09022015). Collection method: clinical testing. Allele origin: germline.
Comment: This sequence change affects a donor splice site in intron 10 of the NTRK1 gene. It is expected to disrupt RNA splicing. Variants that disrupt the donor or acceptor splice site typically lead to a loss of protein function (PMID: 16199547), and loss-of-function variants in NTRK1 are known to be pathogenic (PMID: 10982191). This variant is present in population databases (rs764771898, gnomAD 0.0009%). Disruption of this splice site has been observed in individual(s) with congenital insensitivity to pain with anhidrosis (PMID: 32219930, 33422294). In at least one individual the data is consistent with being in trans (on the opposite chromosome) from a pathogenic variant. ClinVar contains an entry for this variant (Variation ID: 1323379). Algorithms developed to predict the effect of sequence changes on RNA splicing suggest that this variant may disrupt the consensus splice site. For these reasons, this variant has been classified as Pathogenic.

Genome-Nilou Lab
Classification: Pathogenic for Hereditary insensitivity to pain with anhidrosis. Last evaluated: 2023-04-11. Review status: criteria provided, single submitter. Criteria: ACMG Guidelines, 2015. Collection method: clinical testing. Allele origin: germline. Affected: no.

Revvity Omics, Revvity
Classification: Pathogenic for Hereditary insensitivity to pain with anhidrosis. Last evaluated: 2019-02-11. Review status: criteria provided, single submitter. Criteria: ACMG Guidelines, 2015. Collection method: clinical testing. Allele origin: germline.

Literature cited by the submitters: PubMed 16199547 (cited by Labcorp Genetics (formerly Invitae), Labcorp); PubMed 10982191 (cited by Labcorp Genetics (formerly Invitae), Labcorp); PubMed 32219930 (cited by Labcorp Genetics (formerly Invitae), Labcorp); PubMed 33422294 (cited by Labcorp Genetics (formerly Invitae), Labcorp).

NM_002529.4(NTRK1):c.1354+1G>A

Gene: NTRK1 (neurotrophic receptor tyrosine kinase 1; plus strand). Cytogenetic location: 1q23.1.
Variant type: single nucleotide variant.
Coding change: c.1354+1G>A on transcript NM_002529.4 (MANE Select); the canonical splice donor site of the intron after coding-DNA position 1354, G replaced by A.
Molecular consequence: splice donor variant.
Genome position (GRCh38, 1-based): chr1:156,875,009, G>A. VCF-style: chr1-156875009-G-A. GRCh37 (hg19) VCF-style: chr1-156844801-G-A.
Other names: c.1246+1G>A (NM_001007792.1); c.1336+1G>A (NM_001012331.2).
Identifiers: ClinVar variation 1323379 (VCV001323379.10), dbSNP rs764771898, ClinGen allele CA31116959.